The following is an entry in ClinVar:

NM_004655.4(AXIN2):c.2324T>C (p.Ile775Thr)

Gene: AXIN2 (axin 2; minus strand). Cytogenetic location: 17q24.1.
Variant type: single nucleotide variant.
Coding change: c.2324T>C on transcript NM_004655.4 (MANE Select); coding-DNA position 2324, T replaced by C.
Protein change: p.Ile775Thr; replaces isoleucine 775 with threonine.
Molecular consequence: missense variant.
Genome position (GRCh38, 1-based): chr17:65,533,993, A>G on the plus strand (T>C on the coding strand, the complement: AXIN2 is on the minus strand). VCF-style: chr17-65533993-A-G. GRCh37 (hg19) VCF-style: chr17-63530111-A-G.
Other names: c.2324T>C (LRG_296t1); c.2129T>C, p.Ile710Thr (NM_001363813.1); short protein forms I775T, I710T.
Identifiers: ClinVar variation 533227 (VCV000533227.12), dbSNP rs1555576382, ClinGen allele CA400675498.

ClinVar aggregate classification (germline): Uncertain significance. Review status: criteria provided, multiple submitters, no conflicts (2 of 4 stars). 3 submissions from 3 submitters: Uncertain significance (3). Last evaluated 2025-12-29.

Conditions:
Hereditary cancer-predisposing syndrome. Also called: Hereditary neoplastic syndrome; Neoplastic Syndromes, Hereditary; Tumor predisposition; Hereditary Cancer Syndrome. Identifiers: Orphanet 140162, MedGen C0027672, MeSH D009386, MONDO:0015356.
Oligodontia-cancer predisposition syndrome. Also called: TOOTH AGENESIS-COLORECTAL CANCER SYNDROME. Identifiers: Orphanet 300576, MedGen C1837750, MONDO:0012075, OMIM 608615. Disease mechanism: loss of function.

Submissions (3):

Center for Genomic Medicine, Rigshospitalet, Copenhagen University Hospital
Classification: Uncertain significance. Last evaluated: 2025-12-29. Review status: criteria provided, single submitter. Criteria: ACMG Guidelines, 2015. Collection method: clinical testing. Allele origin: germline.

Ambry Genetics
Classification: Uncertain significance for Hereditary cancer-predisposing syndrome. Last evaluated: 2025-06-02. Review status: criteria provided, single submitter. Criteria: Ambry Variant Classification Scheme 2023. Collection method: clinical testing. Allele origin: germline.
Comment: The p.I775T variant (also known as c.2324T>C), located in coding exon 9 of the AXIN2 gene, results from a T to C substitution at nucleotide position 2324. The isoleucine at codon 775 is replaced by threonine, an amino acid with similar properties. This amino acid position is conserved. In addition, this alteration is predicted to be deleterious by in silico analysis. Based on the available evidence, the clinical significance of this variant remains unclear.

Labcorp Genetics (formerly Invitae), Labcorp
Classification: Uncertain significance for Oligodontia-cancer predisposition syndrome. Last evaluated: 2017-11-06. Review status: criteria provided, single submitter. Criteria: Invitae Variant Classification Sherloc (09022015). Collection method: clinical testing. Allele origin: germline.
Comment: This variant has not been reported in the literature in individuals with AXIN2-related disease. Algorithms developed to predict the effect of missense changes on protein structure and function (SIFT, PolyPhen-2, Align-GVGD) all suggest that this variant is likely to be disruptive, but these predictions have not been confirmed by published functional studies and their clinical significance is uncertain. In summary, the available evidence is currently insufficient to determine the role of this variant in disease. Therefore, it has been classified as a Variant of Uncertain Significance. This variant is not present in population databases (ExAC no frequency). This sequence change replaces isoleucine with threonine at codon 775 of the AXIN2 protein (p.Ile775Thr). The isoleucine residue is highly conserved and there is a moderate physicochemical difference between isoleucine and threonine.